The following is an entry in ClinVar:

ClinVar aggregate classification (germline): Uncertain significance. Review status: criteria provided, multiple submitters, no conflicts (2 of 4 stars). 3 submissions from 3 submitters: Uncertain significance (3). Last evaluated 2025-05-22.

Conditions:
TTN-related disorder. Also called: TTN-related condition; TTN-related disease; TTN-related disorders.

Allele frequency attached by ClinVar (database versions not stated): gnomAD exomes below 0.00001; ExAC 0.00002; TOPMed 0.00002; gnomAD 0.00003; ESP Exome Variant Server 0.00008.

Submissions (3):

PreventionGenetics, part of Exact Sciences
Classification: Uncertain significance for TTN-related condition. Last evaluated: 2025-05-22. Review status: criteria provided, single submitter. Criteria: ACMG Guidelines, 2015. Collection method: clinical testing. Allele origin: germline.
Comment: The TTN c.2428C>T variant is predicted to result in the amino acid substitution p.Arg810Cys. To our knowledge, this variant has not been reported in the literature. This variant is reported in 0.012% of alleles in individuals of African descent in gnomAD. At this time, the clinical significance of this variant is uncertain due to the absence of conclusive functional and genetic evidence.

GeneDx
Classification: Uncertain significance. Last evaluated: 2025-05-21. Review status: criteria provided, single submitter. Criteria: GeneDx Variant Classification Process June 2021. Collection method: clinical testing. Allele origin: germline. Affected: yes.
Comment: Not observed at significant frequency in large population cohorts (gnomAD); Missense variant in a gene in which most reported pathogenic variants are truncating/loss of function; Has not been previously published as pathogenic or benign to our knowledge

Revvity Omics, Revvity
Classification: Uncertain significance. Last evaluated: 2022-07-01. Review status: criteria provided, single submitter. Criteria: ACMG Guidelines, 2015. Collection method: clinical testing. Allele origin: germline.

NM_001267550.2(TTN):c.2428C>T (p.Arg810Cys)

Gene: TTN (titin; minus strand). Cytogenetic location: 2q31.2.
Variant type: single nucleotide variant.
Coding change: c.2428C>T on transcript NM_001267550.2 (MANE Select); coding-DNA position 2428, C replaced by T.
Protein change: p.Arg810Cys; replaces arginine 810 with cysteine.
Molecular consequence: missense variant.
Genome position (GRCh38, 1-based): chr2:178,785,685, G>A on the plus strand (C>T on the coding strand, the complement: TTN is on the minus strand). VCF-style: chr2-178785685-G-A. GRCh37 (hg19) VCF-style: chr2-179650412-G-A.
Other names: c.2428C>T, p.Arg810Cys (NM_001256850.1, NM_133378.4, NM_133379.5); c.2290C>T, p.Arg764Cys (NM_003319.4, NM_133432.3, NM_133437.4); short protein forms R764C, R810C.
Identifiers: ClinVar variation 2437993 (VCV002437993.5), dbSNP rs375132408, ClinGen allele CA2005828.